The following is an entry in ClinVar:

ClinVar aggregate classification (germline): Uncertain significance (1 of 4 stars; one submission).

Allele frequency attached by ClinVar (database versions not stated): gnomAD 0.00003.
gnomAD v4.1: 45 of 1,540,446 alleles (0.0029%); highest among the groups gnomAD compares: Non-Finnish European, 0.0037%; no homozygotes.

Submission:

Labcorp Genetics (formerly Invitae), Labcorp
Classification: Uncertain significance. Last evaluated: 2021-12-22. Review status: criteria provided, single submitter. Criteria: Invitae Variant Classification Sherloc (09022015). Collection method: clinical testing. Allele origin: germline.
Comment: In summary, the available evidence is currently insufficient to determine the role of this variant in disease. Therefore, it has been classified as a Variant of Uncertain Significance. Algorithms developed to predict the effect of missense changes on protein structure and function are either unavailable or do not agree on the potential impact of this missense change (SIFT: "Deleterious"; PolyPhen-2: "Possibly Damaging"; Align-GVGD: "Class C0"). This variant has not been reported in the literature in individuals affected with APOPT1-related conditions. This variant is present in population databases (no rsID available, gnomAD 0.004%). This sequence change replaces arginine, which is basic and polar, with glycine, which is neutral and non-polar, at codon 30 of the APOPT1 protein (p.Arg30Gly).

NM_001370595.2(COA8):c.49C>G (p.Arg17Gly)

Gene: COA8 (cytochrome c oxidase assembly factor 8; plus strand). Cytogenetic location: 14q32.33.
Variant type: single nucleotide variant.
Coding change: c.49C>G on transcript NM_001370595.2 (MANE Select); coding-DNA position 49, C replaced by G.
Protein change: p.Arg17Gly; replaces arginine 17 with glycine.
Molecular consequence: missense variant. On other transcripts: non-coding transcript variant (2).
Genome position (GRCh38, 1-based): chr14:103,563,050, C>G. VCF-style: chr14-103563050-C-G. GRCh37 (hg19) VCF-style: chr14-104029387-C-G.
Other names: c.49C>G, p.Arg17Gly (NM_001302653.2, NM_001302654.2); c.88C>G, p.Arg30Gly (NM_032374.4); short protein forms R17G, R30G.
Identifiers: ClinVar variation 2413799 (VCV002413799.4), dbSNP rs774155240, ClinGen allele CA391111271.
Genomic context (GRCh38, chr14:103,563,050, plus strand): 5'-GGGCGTGGGGCCATGGTGGTCTTGCGGGCGGGGAAGAAGACCTTTCTCCCCCCTCTCTGC[C>G]GCGCCTTCGCCTGCCGCGGCTGTCAACTCGCTCCGGAGCGCGGCGCCGAGCGCAGGGATA-3'
Protein context (NP_001357524.1, residues 7-27): GKKTFLPPLC[Arg17Gly]AFACRGCQLA